The following is an entry in ClinVar:

NM_033087.4(ALG2):c.502G>A (p.Gly168Ser)

Gene: ALG2 (ALG2 alpha-1,3/1,6-mannosyltransferase; minus strand). Cytogenetic location: 9q22.33.
Variant type: single nucleotide variant.
Coding change: c.502G>A on transcript NM_033087.4 (MANE Select); coding-DNA position 502, G replaced by A.
Protein change: p.Gly168Ser; replaces glycine 168 with serine.
Molecular consequence: missense variant. On other transcripts: non-coding transcript variant (1).
Genome position (GRCh38, 1-based): chr9:99,218,683, C>T on the plus strand (G>A on the coding strand, the complement: ALG2 is on the minus strand). VCF-style: chr9-99218683-C-T. GRCh37 (hg19) VCF-style: chr9-101980965-C-T.
Other names: c.502G>A (NM_033087.3); short protein forms G168S.
Identifiers: ClinVar variation 1362000 (VCV001362000.6), dbSNP rs925393788, ClinGen allele CA196853482.

ClinVar aggregate classification (germline): Uncertain significance. Review status: criteria provided, multiple submitters, no conflicts (2 of 4 stars). 2 submissions from 2 submitters: Uncertain significance (2). Last evaluated 2022-03-18.

Conditions:
Congenital disorder of glycosylation, type Ii. Also called: ALG2-congenital disorder of glycosylation; ALG2-CDG; CDG Ii. Identifiers: Orphanet 79326, MedGen C1842836, MONDO:0011933, OMIM 607906.
Congenital myasthenic syndrome 14. Also called: Myasthenic syndrome, congenital, 14, with tubular aggregates. Identifiers: Orphanet 353327, Orphanet 590, MedGen C4015597, MONDO:0014543, OMIM 616228.
Inborn genetic diseases. Identifiers: MedGen C0950123, MeSH D030342.

Allele frequency attached by ClinVar (database versions not stated): gnomAD exomes 0.00001; gnomAD 0.00002 and 0.00004; TOPMed 0.00005.

Submissions (2):

Labcorp Genetics (formerly Invitae), Labcorp
Classification: Uncertain significance for Congenital disorder of glycosylation, type Ii; Congenital myasthenic syndrome 14. Last evaluated: 2022-03-18. Review status: criteria provided, single submitter. Criteria: Invitae Variant Classification Sherloc (09022015). Collection method: clinical testing. Allele origin: germline.
Comment: This sequence change replaces glycine, which is neutral and non-polar, with serine, which is neutral and polar, at codon 168 of the ALG2 protein (p.Gly168Ser). This variant is present in population databases (no rsID available, gnomAD 0.01%). This variant has not been reported in the literature in individuals affected with ALG2-related conditions. Algorithms developed to predict the effect of missense changes on protein structure and function are either unavailable or do not agree on the potential impact of this missense change (SIFT: "Tolerated"; PolyPhen-2: "Possibly Damaging"; Align-GVGD: "Class C0"). In summary, the available evidence is currently insufficient to determine the role of this variant in disease. Therefore, it has been classified as a Variant of Uncertain Significance.

Ambry Genetics
Classification: Uncertain significance for Inborn genetic diseases. Last evaluated: 2021-10-27. Review status: criteria provided, single submitter. Criteria: Ambry Variant Classification Scheme 2023. Collection method: clinical testing. Allele origin: germline.